The following is an entry in ClinVar:

NM_014908.4(DOLK):c.1065C>G (p.Asp355Glu)

Gene: DOLK (dolichol kinase; minus strand). Cytogenetic location: 9q34.11.
Variant type: single nucleotide variant.
Coding change: c.1065C>G on transcript NM_014908.4 (MANE Select); coding-DNA position 1065, C replaced by G.
Protein change: p.Asp355Glu; replaces aspartic acid 355 with glutamic acid.
Molecular consequence: missense variant.
Genome position (GRCh38, 1-based): chr9:128,946,239, G>C on the plus strand (C>G on the coding strand, the complement: DOLK is on the minus strand). VCF-style: chr9-128946239-G-C. GRCh37 (hg19) VCF-style: chr9-131708518-G-C.
Other names: c.1065C>G (NM_014908.3); short protein forms D355E.
Identifiers: ClinVar variation 1026848 (VCV001026848.7), dbSNP rs371882757, ClinGen allele CA375120389.

ClinVar aggregate classification (germline): Uncertain significance. Review status: criteria provided, multiple submitters, no conflicts (2 of 4 stars). 2 submissions from 2 submitters: Uncertain significance (2). Last evaluated 2025-10-27.

Conditions:
Cardiovascular phenotype. Identifiers: MedGen CN230736.
DK1-congenital disorder of glycosylation. Also called: CONGENITAL DISORDER OF GLYCOSYLATION, TYPE Im; DK1 DEFICIENCY; DOLICHOL KINASE DEFICIENCY; DK1-CDG; DOLK-congenital disorder of glycosylation; Carbohydrate deficient glycoprotein syndrome type 1m. Identifiers: Orphanet 91131, MedGen C1835849, MONDO:0012556, OMIM 610768.

Allele frequency attached by ClinVar (database versions not stated): gnomAD exomes below 0.00001; gnomAD 0.00001; TOPMed 0.00002.

Submissions (2):

Ambry Genetics
Classification: Uncertain significance for Cardiovascular phenotype. Last evaluated: 2025-10-27. Review status: criteria provided, single submitter. Criteria: Ambry Variant Classification Scheme 2023. Collection method: clinical testing. Allele origin: germline.
Comment: The p.D355E variant (also known as c.1065C>G), located in coding exon 1 of the DOLK gene, results from a C to G substitution at nucleotide position 1065. The aspartic acid at codon 355 is replaced by glutamic acid, an amino acid with highly similar properties. This amino acid position is conserved. In addition, this alteration is predicted to be deleterious by in silico analysis. Based on the available evidence, the clinical significance of this variant remains unclear.

Labcorp Genetics (formerly Invitae), Labcorp
Classification: Uncertain significance for DK1-congenital disorder of glycosylation. Last evaluated: 2022-05-20. Review status: criteria provided, single submitter. Criteria: Invitae Variant Classification Sherloc (09022015). Collection method: clinical testing. Allele origin: germline.
Comment: This sequence change replaces aspartic acid, which is acidic and polar, with glutamic acid, which is acidic and polar, at codon 355 of the DOLK protein (p.Asp355Glu). This variant is not present in population databases (gnomAD no frequency). This variant has not been reported in the literature in individuals affected with DOLK-related conditions. ClinVar contains an entry for this variant (Variation ID: 1026848). Algorithms developed to predict the effect of missense changes on protein structure and function are either unavailable or do not agree on the potential impact of this missense change (SIFT: "Tolerated"; PolyPhen-2: "Probably Damaging"; Align-GVGD: "Class C0"). In summary, the available evidence is currently insufficient to determine the role of this variant in disease. Therefore, it has been classified as a Variant of Uncertain Significance.